The following is an entry in ClinVar:

ClinVar aggregate classification (germline): Uncertain significance (1 of 4 stars; one submission).

Conditions:
Duchenne muscular dystrophy (DMD). Also called: MUSCULAR DYSTROPHY, PSEUDOHYPERTROPHIC PROGRESSIVE, DUCHENNE TYPE; Duchenne Muscular Dystrophy (DMD). Identifiers: Orphanet 98896, MedGen C0013264, MONDO:0010679, OMIM 310200.

Allele frequency attached by ClinVar (database versions not stated): TOPMed below 0.00001; gnomAD 0.00001.
gnomAD v4.1: 2 of 1,207,930 alleles (0.00017%); highest among the groups gnomAD compares: African/African-American, 0.0035%; no homozygotes.

Submission:

Labcorp Genetics (formerly Invitae), Labcorp
Classification: Uncertain significance for Duchenne muscular dystrophy. Last evaluated: 2023-07-03. Review status: criteria provided, single submitter. Criteria: Invitae Variant Classification Sherloc (09022015). Collection method: clinical testing. Allele origin: germline.
Comment: This variant has not been reported in the literature in individuals affected with DMD-related conditions. In summary, the available evidence is currently insufficient to determine the role of this variant in disease. Therefore, it has been classified as a Variant of Uncertain Significance. Advanced modeling of protein sequence and biophysical properties (such as structural, functional, and spatial information, amino acid conservation, physicochemical variation, residue mobility, and thermodynamic stability) performed at Invitae indicates that this missense variant is not expected to disrupt DMD protein function. This variant is not present in population databases (gnomAD no frequency). This sequence change replaces isoleucine, which is neutral and non-polar, with leucine, which is neutral and non-polar, at codon 1695 of the DMD protein (p.Ile1695Leu).

NM_004006.3(DMD):c.5083A>C (p.Ile1695Leu)

Gene: DMD (dystrophin; minus strand). Cytogenetic location: Xp21.1.
Variant type: single nucleotide variant.
Coding change: c.5083A>C on transcript NM_004006.3 (MANE Select); coding-DNA position 5083, A replaced by C.
Protein change: p.Ile1695Leu; replaces isoleucine 1695 with leucine.
Molecular consequence: missense variant.
Genome position (GRCh38, 1-based): chrX:32,364,653, T>G on the plus strand (A>C on the coding strand, the complement: DMD is on the minus strand). VCF-style: chrX-32364653-T-G. GRCh37 (hg19) VCF-style: chrX-32382770-T-G.
Other names: c.5059A>C, p.Ile1687Leu (NM_000109.4); c.5071A>C, p.Ile1691Leu (NM_004009.3); c.4714A>C, p.Ile1572Leu (NM_004010.3); c.1060A>C, p.Ile354Leu (NM_004011.4); c.1051A>C, p.Ile351Leu (NM_004012.4); short protein forms I1687L, I351L, I1695L, I1691L, I1572L, I354L.
Identifiers: ClinVar variation 2832327 (VCV002832327.3), dbSNP rs1332766566, ClinGen allele CA412671568.
Genomic context (GRCh38, chrX:32,364,653, plus strand): 5'-CTTCTTTTTGCTGGGGTTTCTTTTTCTCTGATTCATCCAAAAGTGTGTCAGCCTGAATGA[T>G]CCACTTTGTGATGTGGTCCACATTCTGGTCAAAAGTTTCCATGTGTTTCTGGTATTCCTT-3'
Protein context (NP_003997.2, residues 1685-1705): DQNVDHITKW[Ile1695Leu]IQADTLLDES